The following is an entry in ClinVar:

NM_001271.4(CHD2):c.820_823del (p.Lys274fs)

Gene: CHD2 (chromodomain helicase DNA binding protein 2; plus strand). Cytogenetic location: 15q26.1.
Variant type: Microsatellite.
Coding change: c.820_823del on transcript NM_001271.4 (MANE Select); coding-DNA positions 820 to 823, 4 bases deleted (AAAG; older notation c.820_823delAAAG).
Protein change: p.Lys274fs; shifts the reading frame from lysine 274.
Molecular consequence: frameshift variant.
Genome position (GRCh38, 1-based): chr15:92,941,949-92,941,952, AAAG deleted; deleting any 4 consecutive bases within chr15:92,941,944-92,941,952 gives the same sequence; the c. name uses the placement nearest the transcript's 3' end. VCF-style (leftmost placement, unchanged base first): chr15-92941943-GGAAA-G. GRCh37 (hg19) VCF-style: chr15-93485173-GGAAA-G.
Other names: c.820_823del, p.Lys274fs (NM_001042572.3); short protein forms K274fs.
Identifiers: ClinVar variation 2576063 (VCV002576063.1), dbSNP rs2505443592, ClinGen allele CA2580613334.

ClinVar aggregate classification (germline): Likely pathogenic (1 of 4 stars; one submission).

Submission:

Institute for Clinical Genetics, University Hospital TU Dresden, University Hospital TU Dresden
Classification: Likely pathogenic. Last evaluated: 2023-01-06. Review status: criteria provided, single submitter. Criteria: ACMG Guidelines, 2015. Collection method: clinical testing. Allele origin: germline.
Comment: PVS1, PM2_SUP